The following is an entry in ClinVar:

ClinVar aggregate classification (germline): Benign/Likely benign. Review status: criteria provided, multiple submitters, no conflicts (2 of 4 stars). 4 submissions from 4 submitters: Benign (2); Likely benign (1). 1 of the submissions does not count toward it. Last evaluated 2024-11-27.

Conditions:
AGTPBP1-related disorder. Also called: AGTPBP1-related condition.

Allele frequency attached by ClinVar (database versions not stated): TOPMed 0.29280; ExAC 0.33435; 1000 Genomes Project 30x 0.42239; 1000 Genomes Project 0.43031.
gnomAD v4.1: 247,096 of 1,396,468 alleles (18%); highest among the groups gnomAD compares: East Asian, 79%; 34,143 homozygotes.

Submissions (4):

Blueprint Genetics
Classification: Likely benign. Last evaluated: 2024-11-27. Review status: criteria provided, single submitter. Criteria: ACMG Guidelines, 2015. Collection method: clinical testing. Allele origin: germline.

GeneDx
Classification: Benign. Last evaluated: 2019-06-04. Review status: criteria provided, single submitter. Criteria: GeneDx Variant Classification Process June 2021. Collection method: clinical testing. Allele origin: germline. Affected: yes.

Breakthrough Genomics
Classification: Benign. Review status: criteria provided, single submitter. Criteria: ACMG Guidelines, 2015. Collection method: not provided. Allele origin: germline. Inheritance: Autosomal recessive inheritance. Affected: yes.

PreventionGenetics, part of Exact Sciences
Classification: Benign for AGTPBP1-related condition. Last evaluated: 2024-05-02. Review status: no assertion criteria provided. Collection method: clinical testing. Allele origin: germline. Not counted in ClinVar's aggregate classification.
Comment: This variant is classified as benign based on ACMG/AMP sequence variant interpretation guidelines (Richards et al. 2015 PMID: 25741868, with internal and published modifications).

NM_001330701.2(AGTPBP1):c.-87T>C

Genes: AGTPBP1 (ATP/GTP binding carboxypeptidase 1; minus strand), LOC130001960 (ATAC-STARR-seq lymphoblastoid silent region 19988; plus strand). Cytogenetic location: 9q21.33.
Variant type: single nucleotide variant.
Coding change: c.-87T>C on transcript NM_001330701.2 (MANE Select); 87 bases upstream of the start codon, T replaced by C.
Molecular consequence: 5 prime UTR variant. On other transcripts: synonymous variant (2).
Genome position (GRCh38, 1-based): chr9:85,741,828, A>G on the plus strand (T>C on the coding strand, the complement: AGTPBP1 is on the minus strand). VCF-style: chr9-85741828-A-G. GRCh37 (hg19) VCF-style: chr9-88356743-A-G.
Other names: c.135T>C, p.Ala45= (NM_001286715.1, NM_001286717.1); c.-87T>C (NM_015239.3).
Identifiers: ClinVar variation 1296972 (VCV001296972.6), dbSNP rs10114347, ClinGen allele CA5106971.
Genomic context (GRCh38, chr9:85,741,828, plus strand): 5'-CGCTCACCGGCTCAGGATGGGGCGCTGGCGGGGACCGCGCAGAGCCGCAGCACCCGGCTC[A>G]GCACCTGGATCACGGCGGATCCCTCGCCGCCCGCCGCCCGGTGTTTTCATACAAACCCCG-3'